The following is an entry in ClinVar:

NM_001113378.2(FANCI):c.2937C>T (p.Ser979=)

Gene: FANCI (FA complementation group I; plus strand). Cytogenetic location: 15q26.1.
Variant type: single nucleotide variant.
Coding change: c.2937C>T on transcript NM_001113378.2 (MANE Select); coding-DNA position 2937, C replaced by T.
Protein change: p.Ser979=; no amino-acid change (serine 979 retained).
Molecular consequence: synonymous variant.
Genome position (GRCh38, 1-based): chr15:89,301,373, C>T. VCF-style: chr15-89301373-C-T. GRCh37 (hg19) VCF-style: chr15-89844604-C-T.
Other names: c.2658C>T, p.Ser886= (NM_001376910.1); c.2937C>T, p.Ser979= (NM_001376911.1); c.2757C>T, p.Ser919= (NM_018193.3).
Identifiers: ClinVar variation 2957859 (VCV002957859.19), dbSNP rs2507934758, ClinGen allele CA492063871.
Genomic context (GRCh38, chr15:89,301,373, plus strand): 5'-CTTCCTTTCTCAGAGGTCCTTGTTGAATTTACTTAGCAGTCAAGAGGAAGATTTTAATAG[C>T]AAAGAAGCCCTCCTGCTAGTCACGGTTCTTACCAGTTTGTCCAAGTTACTGGAGCCCTCC-3'
Protein context (NP_001106849.1, residues 969-989): LLSSQEEDFN[Ser979=]KEALLLVTVL

ClinVar aggregate classification (germline): Likely benign. Review status: criteria provided, multiple submitters, no conflicts (2 of 4 stars). 2 submissions from 2 submitters: Likely benign (2). Last evaluated 2024-08-01.

Conditions:
Fanconi anemia (FA). Also called: Fanconi's anemia. Identifiers: Orphanet 84, MedGen C0015625, MeSH D005199, MONDO:0019391.

Allele frequency attached by ClinVar (database versions not stated): gnomAD exomes below 0.00001.
gnomAD v4.1: 2 of 1,614,110 alleles (0.00012%); highest among the groups gnomAD compares: Non-Finnish European, 0.000085%; no homozygotes.

Submissions (2):

CeGaT Center for Human Genetics Tuebingen
Classification: Likely benign. Last evaluated: 2024-08-01. Review status: criteria provided, single submitter. Criteria: CeGaT Center For Human Genetics Tuebingen Variant Classification Criteria Version 2. Collection method: clinical testing. Allele origin: germline. Affected: yes. Observed: 1 variant allele.
Comment: FANCI: BP4, BP7

Labcorp Genetics (formerly Invitae), Labcorp
Classification: Likely benign for Fanconi anemia. Last evaluated: 2023-02-14. Review status: criteria provided, single submitter. Criteria: Invitae Variant Classification Sherloc (09022015). Collection method: clinical testing. Allele origin: germline.